The following is an entry in ClinVar:

NM_000301.5(PLG):c.1097-1G>A

Gene: PLG (plasminogen; plus strand). Cytogenetic location: 6q26.
Variant type: single nucleotide variant.
Coding change: c.1097-1G>A on transcript NM_000301.5 (MANE Select); the canonical splice acceptor site of the intron before coding-DNA position 1097, G replaced by A.
Molecular consequence: splice acceptor variant.
Genome position (GRCh38, 1-based): chr6:160,722,407, G>A. VCF-style: chr6-160722407-G-A. GRCh37 (hg19) VCF-style: chr6-161143439-G-A.
Identifiers: ClinVar variation 4884902 (VCV004884902.2).

ClinVar aggregate classification (germline): Likely pathogenic (1 of 4 stars; one submission).

Submission:

Dasa
Classification: Likely pathogenic. Last evaluated: 2025-10-24. Review status: criteria provided, single submitter. Criteria: DASA Assertion Criteria. Collection method: clinical testing. Allele origin: germline.
Comment: NM_000301.5(PLG):c.1097-1G>A affects a canonical splice site and is predicted to disrupt normal RNA splicing. Loss of function is an established disease mechanism for PLG-associated disorders. Also, this variant is absent from population databases. Based on the currently available evidence, this variant is classified as likely pathogenic.